The following is an entry in ClinVar:

ClinVar aggregate classification (germline): Uncertain significance (1 of 4 stars; one submission).

Conditions:
Catecholaminergic polymorphic ventricular tachycardia 1. Also called: RYR2-Related Catecholaminergic Polymorphic Ventricular Tachycardia; VENTRICULAR TACHYCARDIA, CATECHOLAMINERGIC POLYMORPHIC, 1, WITH OR WITHOUT ATRIAL DYSFUNCTION AND/OR DILATED CARDIOMYOPATHY; VENTRICULAR TACHYCARDIA, STRESS-INDUCED POLYMORPHIC 1. Identifiers: Orphanet 3286, MedGen C1631597, MONDO:0011484, OMIM 604772.

Submission:

Labcorp Genetics (formerly Invitae), Labcorp
Classification: Uncertain significance for Catecholaminergic polymorphic ventricular tachycardia 1. Last evaluated: 2022-03-09. Review status: criteria provided, single submitter. Criteria: Invitae Variant Classification Sherloc (09022015). Collection method: clinical testing. Allele origin: germline.
Comment: In summary, the available evidence is currently insufficient to determine the role of this variant in disease. Therefore, it has been classified as a Variant of Uncertain Significance. Advanced modeling of protein sequence and biophysical properties (such as structural, functional, and spatial information, amino acid conservation, physicochemical variation, residue mobility, and thermodynamic stability) performed at Invitae indicates that this missense variant is expected to disrupt RYR2 protein function. ClinVar contains an entry for this variant (Variation ID: 569479). This variant has not been reported in the literature in individuals affected with RYR2-related conditions. This variant is not present in population databases (gnomAD no frequency). This sequence change replaces aspartic acid, which is acidic and polar, with glycine, which is neutral and non-polar, at codon 242 of the RYR2 protein (p.Asp242Gly).

NM_001035.3(RYR2):c.725A>G (p.Asp242Gly)

Gene: RYR2 (ryanodine receptor 2; plus strand). Cytogenetic location: 1q43.
Variant type: single nucleotide variant.
Coding change: c.725A>G on transcript NM_001035.3 (MANE Select); coding-DNA position 725, A replaced by G.
Protein change: p.Asp242Gly; replaces aspartic acid 242 with glycine.
Molecular consequence: missense variant.
Genome position (GRCh38, 1-based): chr1:237,388,135, A>G. VCF-style: chr1-237388135-A-G. GRCh37 (hg19) VCF-style: chr1-237551435-A-G.
Other names: c.725A>G, p.Asp242Gly (LRG_402t1); short protein forms D242G.
Identifiers: ClinVar variation 569479 (VCV000569479.12), dbSNP rs1318491246, ClinGen allele CA345378258.
Genomic context (GRCh38, chr1:237,388,135, plus strand): 5'-TTATCCTTACAGGGTATCTCATTGGTGGTGATGTCCTCAGGTTGCTGCATGGACACATGG[A>G]CGAGTGTCTCACTGTCCCTTCAGGAGAACATGGTGAAGAGCAGCGGAGGTTAGTACCTGA-3'
Protein context (NP_001026.2, residues 232-252): DVLRLLHGHM[Asp242Gly]ECLTVPSGEH